The following is an entry in ClinVar:

NM_000262.3(NAGA):c.324+1G>C

Genes: NAGA (alpha-N-acetylgalactosaminidase; minus strand), LOC126863160 (CDK7 strongly-dependent group 2 enhancer GRCh37_chr22:42462918-42464117; plus strand). Cytogenetic location: 22q13.2.
Variant type: single nucleotide variant.
Coding change: c.324+1G>C on transcript NM_000262.3 (MANE Select); the canonical splice donor site of the intron after coding-DNA position 324, G replaced by C.
Molecular consequence: splice donor variant.
Genome position (GRCh38, 1-based): chr22:42,067,764, C>G on the plus strand (G>C on the coding strand, the complement: NAGA is on the minus strand). VCF-style: chr22-42067764-C-G. GRCh37 (hg19) VCF-style: chr22-42463768-C-G.
Other names: c.324+1G>C (NM_001362850.1, NM_001362848.1).
Identifiers: ClinVar variation 2839129 (VCV002839129.3), dbSNP rs140673721, ClinGen allele CA411769011.

ClinVar aggregate classification (germline): Likely pathogenic (1 of 4 stars; one submission).

Conditions:
Alpha-N-acetylgalactosaminidase deficiency type 1. Also called: SCHINDLER DISEASE, TYPE I; ALPHA-N-ACETYLGALACTOSAMINIDASE DEFICIENCY, TYPE I; NAGA DEFICIENCY, TYPE I; NEUROAXONAL DYSTROPHY, SCHINDLER TYPE. Identifiers: Orphanet 3137, Orphanet 79279, Orphanet 79281, MedGen C1836544, MONDO:0012221, OMIM 609241.

Submission:

Labcorp Genetics (formerly Invitae), Labcorp
Classification: Likely pathogenic for Alpha-N-acetylgalactosaminidase deficiency type 1. Last evaluated: 2023-12-24. Review status: criteria provided, single submitter. Criteria: Invitae Variant Classification Sherloc (09022015). Collection method: clinical testing. Allele origin: germline.
Comment: This sequence change affects a donor splice site in intron 3 of the NAGA gene. It is expected to disrupt RNA splicing. Variants that disrupt the donor or acceptor splice site typically lead to a loss of protein function (PMID: 16199547), and loss-of-function variants in NAGA are known to be pathogenic (PMID: 8782044, 11251574). This variant is not present in population databases (gnomAD no frequency). This variant has not been reported in the literature in individuals affected with NAGA-related conditions. Algorithms developed to predict the effect of sequence changes on RNA splicing suggest that this variant may disrupt the consensus splice site. In summary, the currently available evidence indicates that the variant is pathogenic, but additional data are needed to prove that conclusively. Therefore, this variant has been classified as Likely Pathogenic.

Literature cited by the submitters: PubMed 16199547; PubMed 8782044; PubMed 11251574.